The following is an entry in ClinVar:

NM_001365902.3(NFIX):c.66del (p.His22fs)

Gene: NFIX (nuclear factor I X; plus strand). Cytogenetic location: 19p13.13.
Variant type: Deletion.
Coding change: c.66del on transcript NM_001365902.3 (MANE Select); coding-DNA position 66, one base deleted (C; older notation c.66delC).
Protein change: p.His22fs; shifts the reading frame from histidine 22.
Molecular consequence: frameshift variant. On other transcripts: 5 prime UTR variant (1).
Genome position (GRCh38, 1-based): chr19:13,025,059, C deleted. VCF-style (leftmost placement, unchanged base first): chr19-13025058-AC-A. GRCh37 (hg19) VCF-style: chr19-13135872-AC-A.
Other names: c.90del, p.His30fs (NM_001271043.2); c.42del, p.His14fs (NM_001271044.3, NM_001378404.1, NM_001440616.1 and 1 more transcripts); c.66del, p.His22fs (NM_001365982.2, NM_002501.4); c.-76del (NM_001365983.2); c.63del, p.His21fs (NM_001365984.2, NM_001365985.2); c.114del, p.His38fs (NM_001378405.1); short protein forms H14fs, H21fs, H22fs, H30fs, H38fs.
Identifiers: ClinVar variation 4818894 (VCV004818894.1).
Genomic context (GRCh38, chr19:13,025,058, plus strand): 5'-TGCTCCCGGCTTGCCGCCTGCAGGATGAGTTCCACCCGTTCATCGAGGCACTGCTGCCTC[AC>A]GTCCGCGCTTTCTCCTACACCTGGTTCAACCTGCAGGCGCGGAAGCGCAAGTACTTCAAG-3'

ClinVar aggregate classification (germline): Pathogenic (1 of 4 stars; one submission).

Conditions:
Malan overgrowth syndrome (MALNS). Also called: NFIX-Related Malan Syndrome; MALAN SYNDROME; Sotos syndrome 2. Identifiers: Orphanet 420179, MedGen C3553660, MONDO:0013885, OMIM 614753.

Submission:

MVZ Medizinische Genetik Mainz
Classification: Pathogenic for Malan overgrowth syndrome. Last evaluated: 2026-03-03. Review status: criteria provided, single submitter. Criteria: UK Practice Guidelines For Variant Classification V4 01 2020. Collection method: clinical testing. Allele origin: germline. Inheritance: Autosomal dominant inheritance. Affected: yes. Observed: 1 variant allele.
Comment: ACMG Criteria: PVS1,PM2_SUP